The following is an entry in ClinVar:

NM_001267550.2(TTN):c.55884_55887del (p.Glu18629fs)

Genes: TTN-AS1 (TTN antisense RNA 1; plus strand), TTN (titin; minus strand). Cytogenetic location: 2q31.2.
Variant type: Microsatellite.
Coding change: c.55884_55887del on transcript NM_001267550.2 (MANE Select); coding-DNA positions 55884 to 55887, 4 bases deleted (AGAA; older notation c.55884_55887delAGAA).
Protein change: p.Glu18629fs; shifts the reading frame from glutamic acid 18629.
Molecular consequence: frameshift variant.
Genome position (GRCh38, 1-based): chr2:178,601,017-178,601,020, TTCT deleted on the plus strand (AGAA on the coding strand, the reverse complement: TTN is on the minus strand); deleting any 4 consecutive bases within chr2:178,601,017-178,601,026 gives the same sequence; the c. name uses the placement nearest the transcript's 3' end. VCF-style (leftmost placement, unchanged base first): chr2-178601016-CTTCT-C. GRCh37 (hg19) VCF-style: chr2-179465743-CTTCT-C.
Other names: c.50961_50964del, p.Glu16988fs (NM_001256850.1); c.28689_28692del, p.Glu9564fs (NM_003319.4); c.48180_48183del, p.Glu16061fs (NM_133378.4); c.29064_29067del, p.Glu9689fs (NM_133432.3); c.29265_29268del, p.Glu9756fs (NM_133437.4); c.28689_28692delAGAA (NM_003319.4); short protein forms E16061fs, E16988fs, E18629fs, E9564fs, E9689fs, E9756fs.
Identifiers: ClinVar variation 1067678 (VCV001067678.10), dbSNP rs2154192604, ClinGen allele CA2580614516.

ClinVar aggregate classification (germline): Likely pathogenic. Review status: criteria provided, multiple submitters, no conflicts (2 of 4 stars). 2 submissions from 2 submitters: Likely pathogenic (2). Last evaluated 2024-09-26.

Conditions:
Cardiovascular phenotype. Identifiers: MedGen CN230736.
Dilated cardiomyopathy 1G (CMD1G). Identifiers: Orphanet 154, MedGen C1858763, MONDO:0011400, OMIM 604145.
Autosomal recessive limb-girdle muscular dystrophy type 2J (LGMDR10). Also called: Limb-girdle muscular dystrophy, type 2J; MUSCULAR DYSTROPHY, LIMB-GIRDLE, AUTOSOMAL RECESSIVE 10. Identifiers: Orphanet 140922, MedGen C1837342, MONDO:0012127, OMIM 608807.

Submissions (2):

Ambry Genetics
Classification: Likely pathogenic for Cardiovascular phenotype. Last evaluated: 2024-09-26. Review status: criteria provided, single submitter. Criteria: Ambry Variant Classification Scheme 2023. Collection method: clinical testing. Allele origin: germline.
Comment: The c.28689_28692delAGAA variant, located in coding exon 115 of the TTN gene, results from a deletion of 4 nucleotides at nucleotide positions 28689 to 28692, causing a translational frameshift with a predicted alternate stop codon (p.E9564Pfs*20). This exon is located in the A-band region of the N2-B isoform of the titin protein and is constitutively expressed in TTN transcripts (percent spliced in or PSI 100%). This variant is considered to be rare based on population cohorts in the Genome Aggregation Database (gnomAD). This alteration is expected to result in loss of function by premature protein truncation or nonsense-mediated mRNA decay. While truncating variants in TTN are present in 1-3% of the general population, truncating variants in the A-band are the most common cause of dilated cardiomyopathy (DCM) (Herman DS et al. N. Engl. J. Med., 2012 Feb;366:619-28; Roberts AM et al. Sci Transl Med, 2015 Jan;7:270ra6). TTN truncating variants encoded in constitutive exons (PSI >90%) have been found to be significantly associated with DCM regardless of their position in titin (Schafer S et al. Nat. Genet., 2017 01;49:46-53). Based on the majority of available evidence to date, this variant is likely to be pathogenic.

Labcorp Genetics (formerly Invitae), Labcorp
Classification: Likely pathogenic for Dilated cardiomyopathy 1G; Autosomal recessive limb-girdle muscular dystrophy type 2J. Last evaluated: 2024-08-19. Review status: criteria provided, single submitter. Criteria: Invitae Variant Classification Sherloc (09022015). Collection method: clinical testing. Allele origin: germline.
Comment: This sequence change creates a premature translational stop signal (p.Glu18629Profs*20) in the TTN gene. While this is not anticipated to result in nonsense mediated decay, it is expected to create a truncated TTN protein. This variant is not present in population databases (gnomAD no frequency). This variant has not been reported in the literature in individuals affected with TTN-related conditions. ClinVar contains an entry for this variant (Variation ID: 1067678). This variant is located in the A band of TTN (PMID: 25589632). Truncating variants in this region are significantly overrepresented in patients affected with dilated cardiomyopathy (PMID: 25589632). Truncating variants in this region have also been reported in individuals affected with autosomal recessive centronuclear myopathy (PMID: 23975875). In summary, the currently available evidence indicates that the variant is pathogenic, but additional data are needed to prove that conclusively. Therefore, this variant has been classified as Likely Pathogenic.

Literature cited by the submitters: PubMed 25589632 (cited by Labcorp Genetics (formerly Invitae), Labcorp); PubMed 23975875 (cited by Labcorp Genetics (formerly Invitae), Labcorp).